The following is an entry in ClinVar:

NC_000019.9:g.(?_54297303)_(54301687_?)dup

Gene: NLRP12 (NLR family pyrin domain containing 12; minus strand). Cytogenetic location: 19q13.42.
Variant type: Duplication.
Identifiers: ClinVar variation 1469864 (VCV001469864.5).

ClinVar aggregate classification (germline): Uncertain significance (1 of 4 stars; one submission).

Conditions:
Familial cold autoinflammatory syndrome 2 (FCAS2). Identifiers: Orphanet 247868, MedGen C2673198, MONDO:0012724, OMIM 611762.

Submission:

Labcorp Genetics (formerly Invitae), Labcorp
Classification: Uncertain significance for Familial cold autoinflammatory syndrome 2. Last evaluated: 2023-12-17. Review status: criteria provided, single submitter. Criteria: Invitae Variant Classification Sherloc (09022015). Collection method: clinical testing. Allele origin: germline.
Comment: This variant results in a copy number gain of the genomic region encompassing exon(s) 8-10 of the NLRP12 gene. This region includes the termination codon of the gene. This copy number gain extends beyond the assayed region for this gene and therefore may encompass additional genes. As the precise location of this event is unknown, it may be in tandem or it may be located elsewhere in the genome. This variant has not been reported in the literature in individuals affected with NLRP12-related conditions. In summary, the available evidence is currently insufficient to determine the role of this variant in disease. Therefore, it has been classified as a Variant of Uncertain Significance.